The following is an entry in ClinVar:

ClinVar aggregate classification (germline): Uncertain significance. Review status: criteria provided, multiple submitters, no conflicts (2 of 4 stars). 3 submissions from 3 submitters: Uncertain significance (3). Last evaluated 2024-10-01.

Conditions:
Hereditary xanthinuria type 1 (XAN1). Identifiers: Orphanet 3467, Orphanet 93601, MedGen C0268118, MONDO:0010209, OMIM 278300.

gnomAD v4.1: 72 of 1,614,018 alleles (0.0045%); highest among the groups gnomAD compares: Non-Finnish European, 0.006%; no homozygotes.

Submissions (3):

Blueprint Genetics
Classification: Uncertain significance. Last evaluated: 2024-10-01. Review status: criteria provided, single submitter. Criteria: ACMG Guidelines, 2015. Collection method: clinical testing. Allele origin: germline.

Women's Health and Genetics/Laboratory Corporation of America, LabCorp
Classification: Uncertain significance. Last evaluated: 2024-07-10. Review status: criteria provided, single submitter. Criteria: LabCorp Variant Classification Summary - May 2015. Collection method: clinical testing. Allele origin: germline.
Comment: Variant summary: XDH c.3205A>G (p.Thr1069Ala) results in a non-conservative amino acid change located in the Aldehyde oxidase/xanthine dehydrogenase, second molybdopterin binding domain (IPR046867) of the encoded protein sequence. Five of five in-silico tools predict a damaging effect of the variant on protein function. The variant allele was found at a frequency of 2.8e-05 in 251410 control chromosomes. The available data on variant occurrences in the general population are insufficient to allow any conclusion about variant significance. To our knowledge, no occurrence of c.3205A>G in individuals affected with Hereditary Xanthinuria Type 1 and no experimental evidence demonstrating its impact on protein function have been reported. No submitters have cited clinical-significance assessments for this variant to ClinVar. Based on the evidence outlined above, the variant was classified as uncertain significance.

Fulgent Genetics
Classification: Uncertain significance for Hereditary xanthinuria type 1. Last evaluated: 2024-03-19. Review status: criteria provided, single submitter. Criteria: ACMG Guidelines, 2015. Collection method: clinical testing. Allele origin: germline.

NM_000379.4(XDH):c.3205A>G (p.Thr1069Ala)

Gene: XDH (xanthine dehydrogenase; minus strand). Cytogenetic location: 2p23.1.
Variant type: single nucleotide variant.
Coding change: c.3205A>G on transcript NM_000379.4 (MANE Select); coding-DNA position 3205, A replaced by G.
Protein change: p.Thr1069Ala; replaces threonine 1069 with alanine.
Molecular consequence: missense variant.
Genome position (GRCh38, 1-based): chr2:31,347,593, T>C on the plus strand (A>G on the coding strand, the complement: XDH is on the minus strand). VCF-style: chr2-31347593-T-C. GRCh37 (hg19) VCF-style: chr2-31570459-T-C.
Other names: short protein forms T1069A.
Identifiers: ClinVar variation 3338986 (VCV003338986.3).